The following is an entry in ClinVar:

ClinVar aggregate classification (germline): Likely benign (1 of 4 stars; one submission).

Allele frequency attached by ClinVar (database versions not stated): gnomAD 0.00742 and 0.00696; TOPMed 0.00812; 1000 Genomes Project 0.01018; 1000 Genomes Project 30x 0.01031.
gnomAD v4.1: 1,044 of 151,630 alleles (0.69%); highest among the groups gnomAD compares: African/African-American, 2.4%; 19 homozygotes.

Submission:

GeneDx
Classification: Likely benign. Last evaluated: 2018-06-14. Review status: criteria provided, single submitter. Criteria: GeneDx Variant Classification (06012015). Collection method: clinical testing. Allele origin: germline. Affected: yes.
Comment: This variant is considered likely benign or benign based on one or more of the following criteria: it is a conservative change, it occurs at a poorly conserved position in the protein, it is predicted to be benign by multiple in silico algorithms, and/or has population frequency not consistent with disease.

NM_001999.4(FBN2):c.2248+283A>G

Gene: FBN2 (fibrillin 2; minus strand). Cytogenetic location: 5q23.3.
Variant type: single nucleotide variant.
Coding change: c.2248+283A>G on transcript NM_001999.4 (MANE Select); 283 bases into the intron after coding-DNA position 2248, A replaced by G.
Molecular consequence: intron variant.
Genome position (GRCh38, 1-based): chr5:128,368,899, T>C on the plus strand (A>G on the coding strand, the complement: FBN2 is on the minus strand). VCF-style: chr5-128368899-T-C. GRCh37 (hg19) VCF-style: chr5-127704592-T-C.
Identifiers: ClinVar variation 673305 (VCV000673305.1), dbSNP rs144388289, ClinGen allele CA127018929.